The following is an entry in ClinVar:

ClinVar aggregate classification (germline): Uncertain significance (1 of 4 stars; one submission).

Submission:

Ambry Genetics
Classification: Uncertain significance. Last evaluated: 2023-07-26. Review status: criteria provided, single submitter. Criteria: Ambry Variant Classification Scheme 2023. Collection method: clinical testing. Allele origin: germline.
Comment: The p.Q493R variant (also known as c.1478A>G), located in coding exon 9 of the GALNT12 gene, results from an A to G substitution at nucleotide position 1478. The glutamine at codon 493 is replaced by arginine, an amino acid with highly similar properties. This amino acid position is conserved. In addition, this alteration is predicted to be tolerated by in silico analysis. Since supporting evidence is limited at this time, the clinical significance of this alteration remains unclear.

NM_024642.5(GALNT12):c.1478A>G (p.Gln493Arg)

Gene: GALNT12 (polypeptide N-acetylgalactosaminyltransferase 12; plus strand). Cytogenetic location: 9q22.33.
Variant type: single nucleotide variant.
Coding change: c.1478A>G on transcript NM_024642.5 (MANE Select); coding-DNA position 1478, A replaced by G.
Protein change: p.Gln493Arg; replaces glutamine 493 with arginine.
Molecular consequence: missense variant.
Genome position (GRCh38, 1-based): chr9:98,845,996, A>G. VCF-style: chr9-98845996-A-G. GRCh37 (hg19) VCF-style: chr9-101608278-A-G.
Other names: short protein forms Q493R.
Identifiers: ClinVar variation 2599093 (VCV002599093.2), dbSNP rs2490557374, ClinGen allele CA374221625.